The following is an entry in ClinVar:

ClinVar aggregate classification (germline): Uncertain significance. Review status: criteria provided, multiple submitters, no conflicts (2 of 4 stars). 4 submissions from 4 submitters: Uncertain significance (4). Last evaluated 2025-06-19.

Conditions:
HARS2-related disorder. Also called: HARS2-related condition.
Inborn genetic diseases. Identifiers: MedGen C0950123, MeSH D030342.

Allele frequency attached by ClinVar (database versions not stated): gnomAD exomes 0.00001; gnomAD 0.00002; TOPMed 0.00003; ESP Exome Variant Server 0.00008.
gnomAD v4.1: 15 of 1,613,946 alleles (0.00093%); highest among the groups gnomAD compares: African/African-American, 0.019%; no homozygotes.

Submissions (4):

Ambry Genetics
Classification: Uncertain significance for Inborn genetic diseases. Last evaluated: 2025-06-19. Review status: criteria provided, single submitter. Criteria: Ambry Variant Classification Scheme 2023. Collection method: clinical testing. Allele origin: germline.

PreventionGenetics, part of Exact Sciences
Classification: Uncertain significance for HARS2-related condition. Last evaluated: 2025-03-17. Review status: criteria provided, single submitter. Criteria: ACMG Guidelines, 2015. Collection method: clinical testing. Allele origin: germline.
Comment: The HARS2 c.145C>T variant is predicted to result in the amino acid substitution p.His49Tyr. To our knowledge, this variant has not been reported in the literature. This variant is reported in 0.011% of alleles in individuals of African descent in gnomAD. At this time, the clinical significance of this variant is uncertain due to the absence of conclusive functional and genetic evidence.

GeneDx
Classification: Uncertain significance. Last evaluated: 2023-07-17. Review status: criteria provided, single submitter. Criteria: GeneDx Variant Classification Process June 2021. Collection method: clinical testing. Allele origin: germline. Affected: yes.
Comment: Not observed at significant frequency in large population cohorts (gnomAD); In silico analysis supports that this missense variant does not alter protein structure/function; Has not been previously published as pathogenic or benign to our knowledge

Laboratory for Molecular Medicine, Mass General Brigham Personalized Medicine
Classification: Uncertain significance. Last evaluated: 2016-02-23. Review status: criteria provided, single submitter. Criteria: LMM Criteria. Collection method: clinical testing. Allele origin: germline. Observed: 1 variant allele.
Comment: The p.His49Tyr variant in HARS2 has not been previously reported in individuals with hearing loss, but it has been identified in 1/4406 of African American chro mosomes by the NHLBI Exome Sequencing Project (dbSNP rs370203603). Although this variant has been seen in the general populat ion, its frequency is not high enough to rule out a pathogenic role. Computation al prediction tools and conservation analyses suggest that the p.His49Tyr varian t may not impact the protein, though this information is not predictive enough t o rule out pathogenicity. In summary, the clinical significance of the p.His49Ty r variant is uncertain.

NM_012208.4(HARS2):c.145C>T (p.His49Tyr)

Gene: HARS2 (histidyl-tRNA synthetase 2, mitochondrial; plus strand). Cytogenetic location: 5q31.3.
Variant type: single nucleotide variant.
Coding change: c.145C>T on transcript NM_012208.4 (MANE Select); coding-DNA position 145, C replaced by T.
Protein change: p.His49Tyr; replaces histidine 49 with tyrosine.
Molecular consequence: missense variant. On other transcripts: 5 prime UTR variant (2), intron variant (1).
Genome position (GRCh38, 1-based): chr5:140,693,627, C>T. VCF-style: chr5-140693627-C-T. GRCh37 (hg19) VCF-style: chr5-140073212-C-T.
Other names: c.-66C>T (NM_001278732.2, NM_001363536.2); c.163C>T, p.His55Tyr (NM_001363535.2); c.109-308C>T (NM_001278731.2); c.145C>T (NM_012208.3); short protein forms H49Y, H55Y.
Identifiers: ClinVar variation 228735 (VCV000228735.7), dbSNP rs370203603, ClinGen allele CA10576650.
Genomic context (GRCh38, chr5:140,693,627, plus strand): 5'-ATCTCACATTCATTCTTCTGCCAGGTTGCAGAGGCAGTGTTAACATCCCAACTGAAAGCA[C>T]ATCAAGAGAAACCAAATTTTATTATCAAGACCCCAAAGGTAATACTTTTTGCCTACCCTA-3'
Protein context (NP_036340.1, residues 39-59): EAVLTSQLKA[His49Tyr]QEKPNFIIKT